The following is an entry in ClinVar:

ClinVar aggregate classification (germline): Benign (1 of 4 stars; one submission).

gnomAD v4.1: 715 of 1,574,462 alleles (0.045%); highest among the groups gnomAD compares: African/African-American, 0.6%; no homozygotes.

Submission:

Mayo Clinic Laboratories, Mayo Clinic
Classification: Benign. Last evaluated: 2022-09-27. Review status: criteria provided, single submitter. Criteria: ACMG Guidelines, 2015. Collection method: clinical testing. Allele origin: germline. Observed: 2 variant alleles.
Comment: BS1, BS2, BP4, BP7

Literature cited by the submitters: PubMed 34171966.

NM_000458.4(HNF1B):c.1535-23C>T

Gene: HNF1B (HNF1 homeobox B; minus strand). Cytogenetic location: 17q12.
Variant type: single nucleotide variant.
Coding change: c.1535-23C>T on transcript NM_000458.4 (MANE Select); 23 bases into the intron before coding-DNA position 1535, C replaced by T.
Molecular consequence: intron variant.
Genome position (GRCh38, 1-based): chr17:37,699,217, G>A on the plus strand (C>T on the coding strand, the complement: HNF1B is on the minus strand). VCF-style: chr17-37699217-G-A. GRCh37 (hg19) VCF-style: chr17-36059223-G-A.
Other names: p.?; c.1261+5700C>T (NM_001304286.2); c.1457-23C>T (NM_001165923.4); c.1534+1766C>T (NM_001411100.1).
Identifiers: ClinVar variation 4684208 (VCV004684208.1).